The following is an entry in ClinVar:

ClinVar aggregate classification (germline): Uncertain significance (1 of 4 stars; one submission).

Conditions:
Lethal multiple pterygium syndrome (LMPS). Identifiers: Orphanet 33108, MedGen C1854678, MONDO:0009668, OMIM 253290.

gnomAD v4.1: 24 of 1,614,068 alleles (0.0015%); highest among the groups gnomAD compares: East Asian, 0.011%; 1 homozygote.

Submission:

Labcorp Genetics (formerly Invitae), Labcorp
Classification: Uncertain significance for Lethal multiple pterygium syndrome. Last evaluated: 2024-09-23. Review status: criteria provided, single submitter. Criteria: Invitae Variant Classification Sherloc (09022015). Collection method: clinical testing. Allele origin: germline.
Comment: This sequence change replaces valine, which is neutral and non-polar, with methionine, which is neutral and non-polar, at codon 195 of the CHRND protein (p.Val195Met). This variant is present in population databases (rs572811121, gnomAD 0.02%). This variant has not been reported in the literature in individuals affected with CHRND-related conditions. Invitae Evidence Modeling of protein sequence and biophysical properties (such as structural, functional, and spatial information, amino acid conservation, physicochemical variation, residue mobility, and thermodynamic stability) indicates that this missense variant is not expected to disrupt CHRND protein function with a negative predictive value of 95%. In summary, the available evidence is currently insufficient to determine the role of this variant in disease. Therefore, it has been classified as a Variant of Uncertain Significance.

NM_000751.3(CHRND):c.583G>A (p.Val195Met)

Gene: CHRND (cholinergic receptor nicotinic delta subunit; plus strand). Cytogenetic location: 2q37.1.
Variant type: single nucleotide variant.
Coding change: c.583G>A on transcript NM_000751.3 (MANE Select); coding-DNA position 583, G replaced by A.
Protein change: p.Val195Met; replaces valine 195 with methionine.
Molecular consequence: missense variant. On other transcripts: intron variant (1).
Genome position (GRCh38, 1-based): chr2:232,528,935, G>A. VCF-style: chr2-232528935-G-A. GRCh37 (hg19) VCF-style: chr2-233393645-G-A.
Other names: c.538G>A, p.Val180Met (NM_001256657.2); c.280G>A, p.Val94Met (NM_001311196.2); c.238+279G>A (NM_001311195.2); short protein forms V180M, V94M, V195M.
Identifiers: ClinVar variation 3730120 (VCV003730120.2).